The following is an entry in ClinVar:

NM_000329.3(RPE65):c.1454T>C (p.Val485Ala)

Gene: RPE65 (retinoid isomerohydrolase RPE65; minus strand). Cytogenetic location: 1p31.3.
Variant type: single nucleotide variant.
Coding change: c.1454T>C on transcript NM_000329.3 (MANE Select); coding-DNA position 1454, T replaced by C.
Protein change: p.Val485Ala; replaces valine 485 with alanine.
Molecular consequence: missense variant.
Genome position (GRCh38, 1-based): chr1:68,429,924, A>G on the plus strand (T>C on the coding strand, the complement: RPE65 is on the minus strand). VCF-style: chr1-68429924-A-G. GRCh37 (hg19) VCF-style: chr1-68895607-A-G.
Other names: short protein forms V485A.
Identifiers: ClinVar variation 990166 (VCV000990166.3), dbSNP rs1645808193, ClinGen allele CA340741524.

ClinVar aggregate classification (germline): Uncertain significance. Review status: criteria provided, multiple submitters, no conflicts (2 of 4 stars). 3 submissions from 3 submitters: Uncertain significance (2). 1 of the submissions does not count toward it. Last evaluated 2024-06-06.

Conditions:
Leber congenital amaurosis (LCA). Also called: Leber's amaurosis. Identifiers: Orphanet 65, MedGen C0339527, MeSH D057130, MONDO:0018998.

Submissions (3):

Women's Health and Genetics/Laboratory Corporation of America, LabCorp
Classification: Uncertain significance. Last evaluated: 2024-06-06. Review status: criteria provided, single submitter. Criteria: LabCorp Variant Classification Summary - May 2015. Collection method: clinical testing. Allele origin: germline.
Comment: Variant summary: RPE65 c.1454T>C (p.Val485Ala) results in a non-conservative amino acid change in the encoded protein sequence. Five of five in-silico tools predict a damaging effect of the variant on protein function. The variant was absent in 248540 control chromosomes. The available data on variant occurrences in the general population are insufficient to allow any conclusion about variant significance. To our knowledge, no occurrence of c.1454T>C in individuals affected with Leber Congenital Amaurosis and no experimental evidence demonstrating its impact on protein function have been reported. ClinVar contains an entry for this variant (Variation ID: 990166). Based on the evidence outlined above, the variant was classified as uncertain significance.

Blueprint Genetics
Classification: Uncertain significance. Last evaluated: 2022-09-01. Review status: criteria provided, single submitter. Criteria: ACMG Guidelines, 2015. Collection method: clinical testing. Allele origin: germline.

Natera, Inc.
Classification: Uncertain significance for Leber congenital amaurosis. Last evaluated: 2020-08-14. Review status: no assertion criteria provided. Collection method: clinical testing. Allele origin: germline. Not counted in ClinVar's aggregate classification.